The following is an entry in ClinVar:

NM_006493.4(CLN5):c.92C>T (p.Ala31Val)

Genes: CLN5 (CLN5 lysosomal BMP synthase; plus strand), LOC130009913 (ATAC-STARR-seq lymphoblastoid silent region 5414; plus strand). Cytogenetic location: 13q22.3.
Variant type: single nucleotide variant.
Coding change: c.92C>T on transcript NM_006493.4 (MANE Select); coding-DNA position 92, C replaced by T.
Protein change: p.Ala31Val; replaces alanine 31 with valine.
Molecular consequence: missense variant.
Genome position (GRCh38, 1-based): chr13:76,992,190, C>T. VCF-style: chr13-76992190-C-T. GRCh37 (hg19) VCF-style: chr13-77566325-C-T.
Other names: c.92C>T, p.Ala31Val (NM_001366624.2); short protein forms A31V, A80V.
Identifiers: ClinVar variation 2160301 (VCV002160301.3), dbSNP rs766858440, ClinGen allele CA388306549.

ClinVar aggregate classification (germline): Uncertain significance (1 of 4 stars; one submission).

Conditions:
Neuronal ceroid lipofuscinosis. Also called: Neuronal Ceroid Lipofuscinoses. Identifiers: Orphanet 216, Orphanet 79263, MedGen C0027877, MONDO:0016295. Disease mechanism: loss of function.

Submission:

Labcorp Genetics (formerly Invitae), Labcorp
Classification: Uncertain significance for Neuronal ceroid lipofuscinosis. Last evaluated: 2025-01-20. Review status: criteria provided, single submitter. Criteria: Invitae Variant Classification Sherloc (09022015). Collection method: clinical testing. Allele origin: germline.
Comment: This sequence change replaces alanine, which is neutral and non-polar, with valine, which is neutral and non-polar, at codon 80 of the CLN5 protein (p.Ala80Val). This variant is present in population databases (no rsID available, gnomAD 0.01%). This variant has not been reported in the literature in individuals affected with CLN5-related conditions. ClinVar contains an entry for this variant (Variation ID: 2160301). Invitae Evidence Modeling of protein sequence and biophysical properties (such as structural, functional, and spatial information, amino acid conservation, physicochemical variation, residue mobility, and thermodynamic stability) indicates that this missense variant is not expected to disrupt CLN5 protein function with a negative predictive value of 80%. In summary, the available evidence is currently insufficient to determine the role of this variant in disease. Therefore, it has been classified as a Variant of Uncertain Significance.